The following is an entry in ClinVar:

ClinVar aggregate classification (germline): Benign. Review status: criteria provided, multiple submitters, no conflicts (2 of 4 stars). 8 submissions from 8 submitters: Benign (8). Last evaluated 2026-02-04.

Conditions:
Primary ciliary dyskinesia 21. Also called: CILIARY DYSKINESIA, PRIMARY, 21, WITHOUT SITUS INVERSUS. Identifiers: Orphanet 244, MedGen C3809087, MONDO:0014123, OMIM 615294.
Primary ciliary dyskinesia. Also called: Ciliary dyskinesia. Identifiers: Orphanet 244, MedGen C0008780, MONDO:0016575, HP:0012265.

Allele frequency attached by ClinVar (database versions not stated): 1000 Genomes Project 0.62340; 1000 Genomes Project 30x 0.62555; TOPMed 0.72734; ESP Exome Variant Server 0.78571.
gnomAD v4.1: 1,358,342 of 1,613,406 alleles (84%); highest among the groups gnomAD compares: Non-Finnish European, 89%; 585,512 homozygotes.

Submissions (8):

Labcorp Genetics (formerly Invitae), Labcorp
Classification: Benign for Primary ciliary dyskinesia. Last evaluated: 2026-02-04. Review status: criteria provided, single submitter. Criteria: Invitae Variant Classification Sherloc (09022015). Collection method: clinical testing. Allele origin: germline.

Blueprint Genetics
Classification: Benign. Last evaluated: 2024-11-26. Review status: criteria provided, single submitter. Criteria: ACMG Guidelines, 2015. Collection method: clinical testing. Allele origin: germline.

Mayo Clinic Laboratories, Mayo Clinic
Classification: Benign. Last evaluated: 2022-04-26. Review status: criteria provided, single submitter. Criteria: ACMG Guidelines, 2015. Collection method: clinical testing. Allele origin: germline. Observed: 196 variant alleles.

Genome-Nilou Lab
Classification: Benign for Primary ciliary dyskinesia 21. Last evaluated: 2021-07-30. Review status: criteria provided, single submitter. Criteria: ACMG Guidelines, 2015. Collection method: clinical testing. Allele origin: germline. Affected: no.

GeneDx
Classification: Benign. Last evaluated: 2018-07-05. Review status: criteria provided, single submitter. Criteria: GeneDx Variant Classification Process June 2021. Collection method: clinical testing. Allele origin: germline. Affected: yes.

Laboratory for Molecular Medicine, Mass General Brigham Personalized Medicine
Classification: Benign. Last evaluated: 2016-03-29. Review status: criteria provided, single submitter. Criteria: LMM Criteria. Collection method: clinical testing. Allele origin: germline.
Comment: Variant identified in a genome or exome case(s) and assessed due to predicted null impact of the variant or pathogenic assertions in the literature or databases. Disclaimer: This variant has not undergone full assessment. The following are preliminary notes: Frequency

Breakthrough Genomics
Classification: Benign. Review status: criteria provided, single submitter. Criteria: ACMG Guidelines, 2015. Collection method: not provided. Allele origin: germline. Inheritance: Autosomal recessive inheritance. Affected: yes.

PreventionGenetics, part of Exact Sciences
Classification: Benign. Review status: criteria provided, single submitter. Criteria: ACMG Guidelines, 2015. Collection method: clinical testing. Allele origin: germline.

NM_145038.5(DRC1):c.495T>G (p.Ala165=)

Gene: DRC1 (dynein regulatory complex subunit 1; plus strand). Cytogenetic location: 2p23.3.
Variant type: single nucleotide variant.
Coding change: c.495T>G on transcript NM_145038.5 (MANE Select); coding-DNA position 495, T replaced by G.
Protein change: p.Ala165=; no amino-acid change (alanine 165 retained).
Molecular consequence: synonymous variant.
Genome position (GRCh38, 1-based): chr2:26,424,409, T>G. VCF-style: chr2-26424409-T-G. GRCh37 (hg19) VCF-style: chr2-26647277-T-G.
Other names: p.Ala165=.
Identifiers: ClinVar variation 262566 (VCV000262566.21), dbSNP rs7423300, ClinGen allele CA1561875.